The following is an entry in ClinVar:

ClinVar aggregate classification (germline): Pathogenic (1 of 4 stars; one submission).

Conditions:
Cone-rod dystrophy. Also called: Cone-rod degeneration; Cone/cone-rod dystrophy. Identifiers: Orphanet 1872, MedGen C4085590, MONDO:0015993, HP:0000548.

gnomAD v4.1: 11 of 1,612,230 alleles (0.00068%); highest among the groups gnomAD compares: Non-Finnish European, 0.00093%; no homozygotes.

Submission:

Lab De Baere, Eye and Developmental Genetics Lab, Ghent University
Classification: Pathogenic for Cone-rod dystrophy. Last evaluated: 2024-10-01. Review status: criteria provided, single submitter. Criteria: ACMG Guidelines, 2015. Collection method: research. Allele origin: inherited. Affected: yes. Observed: 1 variant allele.
Comment: ACMG/AMP guidelines: PM2, PVS1, PP1, PM3_PP

NM_015072.5(TTLL5):c.1550+2T>C

Gene: TTLL5 (tubulin tyrosine ligase like 5; plus strand). Cytogenetic location: 14q24.3.
Variant type: single nucleotide variant.
Coding change: c.1550+2T>C on transcript NM_015072.5 (MANE Select); the canonical splice donor site of the intron after coding-DNA position 1550, T replaced by C.
Molecular consequence: splice donor variant.
Genome position (GRCh38, 1-based): chr14:75,752,957, T>C. VCF-style: chr14-75752957-T-C. GRCh37 (hg19) VCF-style: chr14-76219300-T-C.
Identifiers: ClinVar variation 3544486 (VCV003544486.1).